The following is an entry in ClinVar:

NM_032229.3(SLITRK6):c.1622C>G (p.Thr541Arg)

Gene: SLITRK6 (SLIT and NTRK like family member 6; minus strand). Cytogenetic location: 13q31.1.
Variant type: single nucleotide variant.
Coding change: c.1622C>G on transcript NM_032229.3 (MANE Select); coding-DNA position 1622, C replaced by G.
Protein change: p.Thr541Arg; replaces threonine 541 with arginine.
Molecular consequence: missense variant.
Genome position (GRCh38, 1-based): chr13:85,794,887, G>C on the plus strand (C>G on the coding strand, the complement: SLITRK6 is on the minus strand). VCF-style: chr13-85794887-G-C. GRCh37 (hg19) VCF-style: chr13-86369022-G-C.
Other names: short protein forms T541R.
Identifiers: ClinVar variation 3907937 (VCV003907937.1).
Genomic context (GRCh38, chr13:85,794,887, plus strand): 5'-TTTAGGGCTTTCAATTCCTTTTTGTCGAGATGCCCGGGGGAAGTGCAGAGGATGTCATCT[G>C]TCACTGTGTTCTTGCTTAACTTTTGTATCCATTGCTGCAGTCCAACCAGGTCACAGGAGC-3'
Protein context (NP_115605.2, residues 531-551): WIQKLSKNTV[Thr541Arg]DDILCTSPGH

ClinVar aggregate classification (germline): Uncertain significance (1 of 4 stars; one submission).

Submission:

GeneDx
Classification: Uncertain significance. Last evaluated: 2024-12-27. Review status: criteria provided, single submitter. Criteria: GeneDx Variant Classification Process June 2021. Collection method: clinical testing. Allele origin: germline. Affected: yes.
Comment: Not observed at significant frequency in large population cohorts (gnomAD); In silico analysis indicates that this missense variant does not alter protein structure/function; Has not been previously published as pathogenic or benign to our knowledge